The following is an entry in ClinVar:

ClinVar aggregate classification (germline): Uncertain significance (1 of 4 stars; one submission).

Conditions:
Neurofibromatosis, type 1 (NF1). Also called: NEUROFIBROMATOSIS, TYPE I, SOMATIC; Neurofibromatosis, type I; VON RECKLINGHAUSEN DISEASE; Peripheral type neurofibromatosis. Identifiers: Orphanet 636, MedGen C0027831, MONDO:0018975, OMIM 162200. Disease mechanism: loss of function.

Allele frequency attached by ClinVar (database versions not stated): gnomAD exomes below 0.00001.
gnomAD v4.1: 1 of 1,614,140 alleles (0.000062%); highest among the groups gnomAD compares: Non-Finnish European, 0.000085%; no homozygotes.

Submission:

Labcorp Genetics (formerly Invitae), Labcorp
Classification: Uncertain significance for Neurofibromatosis, type 1. Last evaluated: 2025-04-02. Review status: criteria provided, single submitter. Criteria: Invitae Variant Classification Sherloc (09022015). Collection method: clinical testing. Allele origin: germline.
Comment: This sequence change replaces serine, which is neutral and polar, with glycine, which is neutral and non-polar, at codon 313 of the NF1 protein (p.Ser313Gly). This variant is not present in population databases (gnomAD no frequency). This variant has not been reported in the literature in individuals affected with NF1-related conditions. ClinVar contains an entry for this variant (Variation ID: 1493769). Invitae Evidence Modeling of protein sequence and biophysical properties (such as structural, functional, and spatial information, amino acid conservation, physicochemical variation, residue mobility, and thermodynamic stability) indicates that this missense variant is not expected to disrupt NF1 protein function with a negative predictive value of 95%. Algorithms developed to predict the effect of sequence changes on RNA splicing suggest that this variant may disrupt the consensus splice site. In summary, the available evidence is currently insufficient to determine the role of this variant in disease. Therefore, it has been classified as a Variant of Uncertain Significance.

NM_001042492.3(NF1):c.937A>G (p.Ser313Gly)

Gene: NF1 (neurofibromin 1; plus strand). Cytogenetic location: 17q11.2.
Variant type: single nucleotide variant.
Coding change: c.937A>G on transcript NM_001042492.3 (MANE Select); coding-DNA position 937, A replaced by G.
Protein change: p.Ser313Gly; replaces serine 313 with glycine.
Molecular consequence: missense variant.
Genome position (GRCh38, 1-based): chr17:31,200,470, A>G. VCF-style: chr17-31200470-A-G. GRCh37 (hg19) VCF-style: chr17-29527488-A-G.
Other names: c.937A>G, p.Ser313Gly (NM_001128147.3, NM_000267.4); short protein forms S313G.
Identifiers: ClinVar variation 1493769 (VCV001493769.8), dbSNP rs373320953, ClinGen allele CA398995730.